The following is an entry in ClinVar:

ClinVar aggregate classification (germline): Uncertain significance (1 of 4 stars; one submission).

Submission:

Labcorp Genetics (formerly Invitae), Labcorp
Classification: Uncertain significance. Last evaluated: 2025-09-02. Review status: criteria provided, single submitter. Criteria: Invitae Variant Classification Sherloc (09022015). Collection method: clinical testing. Allele origin: germline.
Comment: This sequence change replaces tyrosine, which is neutral and polar, with cysteine, which is neutral and slightly polar, at codon 297 of the ATP6V1B1 protein (p.Tyr297Cys). This variant is not present in population databases (gnomAD no frequency). This variant has not been reported in the literature in individuals affected with ATP6V1B1-related conditions. ClinVar contains an entry for this variant (Variation ID: 1400636). Invitae Evidence Modeling of protein sequence and biophysical properties (such as structural, functional, and spatial information, amino acid conservation, physicochemical variation, residue mobility, and thermodynamic stability) indicates that this missense variant is expected to disrupt ATP6V1B1 protein function with a positive predictive value of 95%. In summary, the available evidence is currently insufficient to determine the role of this variant in disease. Therefore, it has been classified as a Variant of Uncertain Significance.

NM_001692.4(ATP6V1B1):c.890A>G (p.Tyr297Cys)

Gene: ATP6V1B1 (ATPase H+ transporting V1 subunit B1; plus strand). Cytogenetic location: 2p13.3.
Variant type: single nucleotide variant.
Coding change: c.890A>G on transcript NM_001692.4 (MANE Select); coding-DNA position 890, A replaced by G.
Protein change: p.Tyr297Cys; replaces tyrosine 297 with cysteine.
Molecular consequence: missense variant.
Genome position (GRCh38, 1-based): chr2:70,962,881, A>G. VCF-style: chr2-70962881-A-G. GRCh37 (hg19) VCF-style: chr2-71190011-A-G.
Other names: short protein forms Y297C.
Identifiers: ClinVar variation 1400636 (VCV001400636.6), dbSNP rs2104831297, ClinGen allele CA347185124.